The following is an entry in ClinVar:

NM_004168.4(SDHA):c.1348A>T (p.Asn450Tyr)

Gene: SDHA (succinate dehydrogenase complex flavoprotein subunit A; plus strand). Cytogenetic location: 5p15.33.
Variant type: single nucleotide variant.
Coding change: c.1348A>T on transcript NM_004168.4 (MANE Select); coding-DNA position 1348, A replaced by T.
Protein change: p.Asn450Tyr; replaces asparagine 450 with tyrosine.
Molecular consequence: missense variant.
Genome position (GRCh38, 1-based): chr5:236,515, A>T. VCF-style: chr5-236515-A-T. GRCh37 (hg19) VCF-style: chr5-236630-A-T.
Other names: c.1204A>T, p.Asn402Tyr (NM_001294332.2); c.1348A>T, p.Asn450Tyr (NM_001330758.2); short protein forms N402Y, N450Y.
Identifiers: ClinVar variation 3223718 (VCV003223718.1), dbSNP rs2477375780, ClinGen allele CA359013977.

ClinVar aggregate classification (germline): Uncertain significance (1 of 4 stars; one submission).

Conditions:
Hereditary cancer-predisposing syndrome. Also called: Tumor predisposition; Hereditary neoplastic syndrome; Hereditary Cancer Syndrome; Neoplastic Syndromes, Hereditary. Identifiers: Orphanet 140162, MedGen C0027672, MeSH D009386, MONDO:0015356.

Submission:

Ambry Genetics
Classification: Uncertain significance for Hereditary cancer-predisposing syndrome. Last evaluated: 2023-11-20. Review status: criteria provided, single submitter. Criteria: Ambry Variant Classification Scheme 2023. Collection method: clinical testing. Allele origin: germline.
Comment: The p.N450Y variant (also known as c.1348A>T), located in coding exon 10 of the SDHA gene, results from an A to T substitution at nucleotide position 1348. The asparagine at codon 450 is replaced by tyrosine, an amino acid with dissimilar properties. This amino acid position is highly conserved in available vertebrate species. In addition, this alteration is predicted to be deleterious by in silico analysis. Since supporting evidence is limited at this time, the clinical significance of this alteration remains unclear.